The following is an entry in ClinVar:

NM_004656.4(BAP1):c.40C>G (p.Leu14Val)

Gene: BAP1 (BRCA1 associated deubiquitinase 1; minus strand). Cytogenetic location: 3p21.1.
Variant type: single nucleotide variant.
Coding change: c.40C>G on transcript NM_004656.4 (MANE Select); coding-DNA position 40, C replaced by G.
Protein change: p.Leu14Val; replaces leucine 14 with valine.
Molecular consequence: missense variant.
Genome position (GRCh38, 1-based): chr3:52,409,741, G>C on the plus strand (C>G on the coding strand, the complement: BAP1 is on the minus strand). VCF-style: chr3-52409741-G-C. GRCh37 (hg19) VCF-style: chr3-52443757-G-C.
Other names: c.40C>G, p.Leu14Val (NM_001410772.1); short protein forms L14V.
Identifiers: ClinVar variation 1737827 (VCV001737827.2), dbSNP rs1208026193, ClinGen allele CA353114990.

ClinVar aggregate classification (germline): Uncertain significance (1 of 4 stars; one submission).

Conditions:
Hereditary cancer-predisposing syndrome. Also called: Neoplastic Syndromes, Hereditary; Tumor predisposition; Hereditary Cancer Syndrome; Hereditary neoplastic syndrome. Identifiers: Orphanet 140162, MedGen C0027672, MeSH D009386, MONDO:0015356.

Submission:

Ambry Genetics
Classification: Uncertain significance for Hereditary cancer-predisposing syndrome. Last evaluated: 2022-07-26. Review status: criteria provided, single submitter. Criteria: Ambry Variant Classification Scheme 2023. Collection method: clinical testing. Allele origin: germline.
Comment: The p.L14V variant (also known as c.40C>G), located in coding exon 2 of the BAP1 gene, results from a C to G substitution at nucleotide position 40. The leucine at codon 14 is replaced by valine, an amino acid with highly similar properties. This amino acid position is conserved. In addition, the in silico prediction for this alteration is inconclusive. Since supporting evidence is limited at this time, the clinical significance of this alteration remains unclear.